The following is an entry in ClinVar:

NM_014806.5(RUSC2):c.106G>A (p.Gly36Ser)

Gene: RUSC2 (RUN and SH3 domain containing 2; plus strand). Cytogenetic location: 9p13.3.
Variant type: single nucleotide variant.
Coding change: c.106G>A on transcript NM_014806.5 (MANE Select); coding-DNA position 106, G replaced by A.
Protein change: p.Gly36Ser; replaces glycine 36 with serine.
Molecular consequence: missense variant. On other transcripts: non-coding transcript variant (1), intron variant (1).
Genome position (GRCh38, 1-based): chr9:35,546,627, G>A. VCF-style: chr9-35546627-G-A. GRCh37 (hg19) VCF-style: chr9-35546624-G-A.
Other names: c.106G>A, p.Gly36Ser (NM_001135999.2); c.-620-8433G>A (NM_001330740.2); short protein forms G36S.
Identifiers: ClinVar variation 1399571 (VCV001399571.8), dbSNP rs755112391, ClinGen allele CA373325815.

ClinVar aggregate classification (germline): Uncertain significance (1 of 4 stars; one submission).

Allele frequency attached by ClinVar (database versions not stated): gnomAD exomes below 0.00001.
gnomAD v4.1: 2 of 1,565,564 alleles (0.00013%); highest among the groups gnomAD compares: Non-Finnish European, 0.00017%; no homozygotes.

Submission:

Labcorp Genetics (formerly Invitae), Labcorp
Classification: Uncertain significance. Last evaluated: 2021-11-27. Review status: criteria provided, single submitter. Criteria: Invitae Variant Classification Sherloc (09022015). Collection method: clinical testing. Allele origin: germline.
Comment: This sequence change replaces glycine, which is neutral and non-polar, with serine, which is neutral and polar, at codon 36 of the RUSC2 protein (p.Gly36Ser). This variant is not present in population databases (gnomAD no frequency). This variant has not been reported in the literature in individuals affected with RUSC2-related conditions. Algorithms developed to predict the effect of missense changes on protein structure and function output the following: SIFT: "Tolerated"; PolyPhen-2: "Benign"; Align-GVGD: "Class C0". The serine amino acid residue is found in multiple mammalian species, which suggests that this missense change does not adversely affect protein function. In summary, the available evidence is currently insufficient to determine the role of this variant in disease. Therefore, it has been classified as a Variant of Uncertain Significance.